The following is an entry in ClinVar:

ClinVar aggregate classification (germline): Likely benign (0 of 4 stars; one submission).

Conditions:
FTCD-related disorder. Also called: FTCD-related condition.

Allele frequency attached by ClinVar (database versions not stated): gnomAD exomes 0.00124; ExAC 0.00125; gnomAD 0.00427 and 0.00458; TOPMed 0.00467; ESP Exome Variant Server 0.00366; 1000 Genomes Project 30x 0.00625; 1000 Genomes Project 0.00519.
gnomAD v4.1: 1,512 of 1,612,630 alleles (0.094%); highest among the groups gnomAD compares: African/African-American, 1.3%; 9 homozygotes.

Submission:

PreventionGenetics, part of Exact Sciences
Classification: Likely benign for FTCD-related condition. Last evaluated: 2019-04-08. Review status: no assertion criteria provided. Collection method: clinical testing. Allele origin: germline.
Comment: This variant is classified as likely benign based on ACMG/AMP sequence variant interpretation guidelines (Richards et al. 2015 PMID: 25741868, with internal and published modifications).

NM_001320412.2(FTCD):c.1691C>A (p.Thr564Lys)

Gene: FTCD (formimidoyltransferase cyclodeaminase; minus strand). Cytogenetic location: 21q22.3.
Variant type: single nucleotide variant.
Coding change: c.1691C>A on transcript NM_001320412.2; coding-DNA position 1691, C replaced by A.
Protein change: p.Thr564Lys; replaces threonine 564 with lysine.
Molecular consequence: missense variant. On other transcripts: 3 prime UTR variant (1).
Genome position (GRCh38, 1-based): chr21:46,136,482, G>T on the plus strand (C>A on the coding strand, the complement: FTCD is on the minus strand). VCF-style: chr21-46136482-G-T. GRCh37 (hg19) VCF-style: chr21-47556396-G-T.
Other names: c.*15C>A (NM_006657.3); short protein forms T564K.
Identifiers: ClinVar variation 340410 (VCV000340410.9), dbSNP rs114980528, ClinGen allele CA10073216.
Genomic context (GRCh38, chr21:46,136,482, plus strand): 5'-GACCTGCCGGGAGCTGCACCTGGGAAGCGAGGCTATCCTTCCAGCGTCGAAGGTCCTGCT[G>T]TCCCTGGGGTTTCTGTCCCATGCACAGAACCAGGGCCCCTTTCCCTCAGACAAGGGGCCT-3'